The following is an entry in ClinVar:

ClinVar aggregate classification (germline): Benign (0 of 4 stars; one submission).

Conditions:
TJP1-related disorder. Also called: TJP1-related condition.

Allele frequency attached by ClinVar (database versions not stated): ESP Exome Variant Server 0.09761; gnomAD 0.10726; TOPMed 0.10750; gnomAD exomes 0.11619; ExAC 0.13120; 1000 Genomes Project 30x 0.14101; 1000 Genomes Project 0.14177.
gnomAD v4.1: 186,754 of 1,613,616 alleles (12%); highest among the groups gnomAD compares: South Asian, 23%; 12,047 homozygotes.

Submission:

PreventionGenetics, part of Exact Sciences
Classification: Benign for TJP1-related condition. Last evaluated: 2019-11-20. Review status: no assertion criteria provided. Collection method: clinical testing. Allele origin: germline.
Comment: This variant is classified as benign based on ACMG/AMP sequence variant interpretation guidelines (Richards et al. 2015 PMID: 25741868, with internal and published modifications).

NM_001330239.4(TJP1):c.2368A>G (p.Ile790Val)

Gene: TJP1 (tight junction protein 1; minus strand). Cytogenetic location: 15q13.1.
Variant type: single nucleotide variant.
Coding change: c.2368A>G on transcript NM_001330239.4 (MANE Select); coding-DNA position 2368, A replaced by G.
Protein change: p.Ile790Val; replaces isoleucine 790 with valine.
Molecular consequence: missense variant.
Genome position (GRCh38, 1-based): chr15:29,726,423, T>C on the plus strand (A>G on the coding strand, the complement: TJP1 is on the minus strand). VCF-style: chr15-29726423-T-C. GRCh37 (hg19) VCF-style: chr15-30018627-T-C.
Other names: c.2647A>G, p.Ile883Val (NM_001301025.3, NM_001355012.2); c.2380A>G, p.Ile794Val (NM_001301026.2, NM_001355013.1); c.2368A>G, p.Ile790Val (NM_001355014.2, NM_001355015.2, NM_003257.5 and 1 more transcripts); short protein forms I790V, I794V, I883V.
Identifiers: ClinVar variation 3056098 (VCV003056098.2), dbSNP rs2229515, ClinGen allele CA7447030.